The following is an entry in ClinVar:

ClinVar aggregate classification (germline): Uncertain significance (1 of 4 stars; one submission).

Submission:

Labcorp Genetics (formerly Invitae), Labcorp
Classification: Uncertain significance. Last evaluated: 2024-09-18. Review status: criteria provided, single submitter. Criteria: Invitae Variant Classification Sherloc (09022015). Collection method: clinical testing. Allele origin: germline.
Comment: This sequence change replaces alanine, which is neutral and non-polar, with proline, which is neutral and non-polar, at codon 17 of the TNFRSF6B protein (p.Ala17Pro). This variant is not present in population databases (gnomAD no frequency). This variant has not been reported in the literature in individuals affected with TNFRSF6B-related conditions. An algorithm developed to predict the effect of missense changes on protein structure and function outputs the following: PolyPhen-2: "Not Available". The proline amino acid residue is found in multiple mammalian species, which suggests that this missense change does not adversely affect protein function. In summary, the available evidence is currently insufficient to determine the role of this variant in disease. Therefore, it has been classified as a Variant of Uncertain Significance.

NM_003823.4(TNFRSF6B):c.49G>C (p.Ala17Pro)

Genes: RTEL1-TNFRSF6B (RTEL1-TNFRSF6B readthrough (NMD candidate); plus strand), TNFRSF6B (TNF receptor superfamily member 6b; plus strand). Cytogenetic location: 20q13.33.
Variant type: single nucleotide variant.
Coding change: c.49G>C on transcript NM_003823.4 (MANE Select); coding-DNA position 49, G replaced by C.
Protein change: p.Ala17Pro; replaces alanine 17 with proline.
Molecular consequence: missense variant. On other transcripts: non-coding transcript variant (1).
Genome position (GRCh38, 1-based): chr20:63,696,816, G>C. VCF-style: chr20-63696816-G-C. GRCh37 (hg19) VCF-style: chr20-62328169-G-C.
Other names: short protein forms A17P.
Identifiers: ClinVar variation 3717987 (VCV003717987.2).